The following is an entry in ClinVar:

ClinVar aggregate classification (germline): Benign/Likely benign. Review status: criteria provided, multiple submitters, no conflicts (2 of 4 stars). 8 submissions from 8 submitters: Benign (1); Likely benign (7). Last evaluated 2026-01-18.

Conditions:
Fanconi anemia complementation group J. Also called: BRIP1-Related Fanconi Anemia. Identifiers: Orphanet 84, MedGen C1836860, MONDO:0012187, OMIM 609054.
Familial cancer of breast. Also called: Hereditary breast cancer; BREAST CANCER, FAMILIAL; hereditary breast carcinoma. Identifiers: Orphanet 227535, MedGen C0346153, MONDO:0016419, OMIM 114480. Disease mechanism: loss of function.
Hereditary cancer-predisposing syndrome. Also called: Tumor predisposition; Neoplastic Syndromes, Hereditary; Hereditary Cancer Syndrome; Hereditary neoplastic syndrome. Identifiers: Orphanet 140162, MedGen C0027672, MeSH D009386, MONDO:0015356.

Allele frequency attached by ClinVar (database versions not stated): TOPMed below 0.00001; ExAC 0.00001; gnomAD exomes 0.00001 and 0.00002; ESP Exome Variant Server 0.00008.
gnomAD v4.1: 16 of 1,613,096 alleles (0.00099%); highest among the groups gnomAD compares: Non-Finnish European, 0.0014%; no homozygotes.

Submissions (8):

Labcorp Genetics (formerly Invitae), Labcorp
Classification: Likely benign for Familial cancer of breast; Fanconi anemia complementation group J. Last evaluated: 2026-01-18. Review status: criteria provided, single submitter. Criteria: Invitae Variant Classification Sherloc (09022015). Collection method: clinical testing. Allele origin: germline.

Women's Health and Genetics/Laboratory Corporation of America, LabCorp
Classification: Likely benign. Last evaluated: 2025-09-15. Review status: criteria provided, single submitter. Criteria: LabCorp Variant Classification Summary - May 2015. Collection method: clinical testing. Allele origin: germline.

Myriad Genetics, Inc.
Classification: Benign for Familial cancer of breast. Last evaluated: 2024-09-10. Review status: criteria provided, single submitter. Criteria: Myriad Autosomal Dominant, Autosomal Recessive and X-Linked Classification Criteria (2023). Collection method: clinical testing. Allele origin: unknown.
Comment: This variant is considered benign. This variant is a silent/synonymous amino acid change and it is not expected to impact splicing.

Department of Pathology and Laboratory Medicine, Sinai Health System
Classification: Likely benign for Familial cancer of breast. Last evaluated: 2022-10-17. Review status: criteria provided, single submitter. Criteria: ACMG Guidelines, 2015. Collection method: clinical testing. Allele origin: germline. Affected: yes.

Sema4
Classification: Likely benign for Hereditary cancer-predisposing syndrome. Last evaluated: 2020-04-17. Review status: criteria provided, single submitter. Criteria: Sema4 Curation Guidelines. Collection method: curation. Allele origin: germline.

Color Diagnostics, LLC DBA Color Health
Classification: Likely benign for Hereditary cancer-predisposing syndrome. Last evaluated: 2017-05-22. Review status: criteria provided, single submitter. Criteria: ACMG Guidelines, 2015. Collection method: clinical testing. Allele origin: germline.

GeneDx
Classification: Likely benign. Last evaluated: 2017-03-29. Review status: criteria provided, single submitter. Criteria: GeneDx Variant Classification (06012015). Collection method: clinical testing. Allele origin: germline. Affected: yes.
Comment: This variant is considered likely benign or benign based on one or more of the following criteria: it is a conservative change, it occurs at a poorly conserved position in the protein, it is predicted to be benign by multiple in silico algorithms, and/or has population frequency not consistent with disease.

Ambry Genetics
Classification: Likely benign for Hereditary cancer-predisposing syndrome. Last evaluated: 2015-03-30. Review status: criteria provided, single submitter. Criteria: Ambry Variant Classification Scheme 2023. Collection method: clinical testing. Allele origin: germline.

NM_032043.3(BRIP1):c.3489T>C (p.Asp1163=)

Gene: BRIP1 (BRCA1 interacting DNA helicase 1; minus strand). Cytogenetic location: 17q23.2.
Variant type: single nucleotide variant.
Coding change: c.3489T>C on transcript NM_032043.3 (MANE Select); coding-DNA position 3489, T replaced by C.
Protein change: p.Asp1163=; no amino-acid change (aspartic acid 1163 retained).
Molecular consequence: synonymous variant.
Genome position (GRCh38, 1-based): chr17:61,683,557, A>G on the plus strand (T>C on the coding strand, the complement: BRIP1 is on the minus strand). VCF-style: chr17-61683557-A-G. GRCh37 (hg19) VCF-style: chr17-59760918-A-G.
Identifiers: ClinVar variation 414658 (VCV000414658.22), dbSNP rs144245485, ClinGen allele CA8690357.